The following is an entry in ClinVar:

NM_002768.5(CHMP1A):c.299T>G (p.Leu100Arg)

Gene: CHMP1A (charged multivesicular body protein 1A; minus strand). Cytogenetic location: 16q24.3.
Variant type: single nucleotide variant.
Coding change: c.299T>G on transcript NM_002768.5 (MANE Select); coding-DNA position 299, T replaced by G.
Protein change: p.Leu100Arg; replaces leucine 100 with arginine.
Molecular consequence: missense variant. On other transcripts: synonymous variant (1), non-coding transcript variant (1).
Genome position (GRCh38, 1-based): chr16:89,647,285, A>C on the plus strand (T>G on the coding strand, the complement: CHMP1A is on the minus strand). VCF-style: chr16-89647285-A-C. GRCh37 (hg19) VCF-style: chr16-89713693-A-C.
Other names: c.279T>G, p.Pro93= (NM_001083314.4); short protein forms L100R.
Identifiers: ClinVar variation 4819156 (VCV004819156.1).

ClinVar aggregate classification (germline): Uncertain significance (1 of 4 stars; one submission).

Conditions:
Pontocerebellar hypoplasia type 8 (PCH8). Identifiers: Orphanet 324569, MedGen C3554209, MONDO:0013990, OMIM 614961.

Submission:

Institute of Human Genetics, University of Leipzig Medical Center
Classification: Uncertain significance for Pontocerebellar hypoplasia type 8. Last evaluated: 2026-01-28. Review status: criteria provided, single submitter. Criteria: ACMG Guidelines, 2015. Collection method: clinical testing. Allele origin: inherited. Inheritance: Autosomal recessive inheritance. Affected: yes.
Comment: Criteria applied: PM2,PM3_SUP,PP3